The following is an entry in ClinVar:

ClinVar aggregate classification (germline): Uncertain significance. Review status: criteria provided, multiple submitters, no conflicts (2 of 4 stars). 3 submissions from 3 submitters: Uncertain significance (3). Last evaluated 2024-07-02.

Conditions:
Inborn genetic diseases. Identifiers: MedGen C0950123, MeSH D030342.
Currarino triad. Identifiers: Orphanet 1552, MedGen C1531773, MONDO:0008305, OMIM 176450.

Allele frequency attached by ClinVar (database versions not stated): gnomAD exomes below 0.00001; TOPMed 0.00003.
gnomAD v4.1: 2 of 1,611,014 alleles (0.00012%); highest among the groups gnomAD compares: Admixed American, 0.0033%; no homozygotes.

Submissions (3):

Ambry Genetics
Classification: Uncertain significance for Inborn genetic diseases. Last evaluated: 2024-07-02. Review status: criteria provided, single submitter. Criteria: Ambry Variant Classification Scheme 2023. Collection method: clinical testing. Allele origin: germline.

Labcorp Genetics (formerly Invitae), Labcorp
Classification: Uncertain significance. Last evaluated: 2022-12-06. Review status: criteria provided, single submitter. Criteria: Invitae Variant Classification Sherloc (09022015). Collection method: clinical testing. Allele origin: germline.
Comment: In summary, the available evidence is currently insufficient to determine the role of this variant in disease. Therefore, it has been classified as a Variant of Uncertain Significance. Advanced modeling of protein sequence and biophysical properties (such as structural, functional, and spatial information, amino acid conservation, physicochemical variation, residue mobility, and thermodynamic stability) performed at Invitae indicates that this missense variant is expected to disrupt MNX1 protein function. ClinVar contains an entry for this variant (Variation ID: 1479384). This variant has not been reported in the literature in individuals affected with MNX1-related conditions. This variant is not present in population databases (gnomAD no frequency). This sequence change replaces lysine, which is basic and polar, with glutamine, which is neutral and polar, at codon 270 of the MNX1 protein (p.Lys270Gln).

Fulgent Genetics
Classification: Uncertain significance for Currarino triad. Last evaluated: 2022-03-21. Review status: criteria provided, single submitter. Criteria: ACMG Guidelines, 2015. Collection method: clinical testing. Allele origin: unknown.

NM_005515.4(MNX1):c.808A>C (p.Lys270Gln)

Genes: MNX1-AS2 (MNX1 antisense RNA 2; plus strand), MNX1 (motor neuron and pancreas homeobox 1; minus strand). Cytogenetic location: 7q36.3.
Variant type: single nucleotide variant.
Coding change: c.808A>C on transcript NM_005515.4 (MANE Select); coding-DNA position 808, A replaced by C.
Protein change: p.Lys270Gln; replaces lysine 270 with glutamine.
Molecular consequence: missense variant.
Genome position (GRCh38, 1-based): chr7:157,006,523, T>G on the plus strand (A>C on the coding strand, the complement: MNX1 is on the minus strand). VCF-style: chr7-157006523-T-G. GRCh37 (hg19) VCF-style: chr7-156799217-T-G.
Other names: c.172A>C, p.Lys58Gln (NM_001165255.2); c.808A>C (NM_005515.3); short protein forms K270Q, K58Q.
Identifiers: ClinVar variation 1479384 (VCV001479384.8), dbSNP rs1191651587, ClinGen allele CA370162487.